The following is an entry in ClinVar:

NM_004700.4(KCNQ4):c.785A>T (p.Asp262Val)

Gene: KCNQ4 (potassium voltage-gated channel subfamily Q member 4; plus strand). Cytogenetic location: 1p34.2.
Variant type: single nucleotide variant.
Coding change: c.785A>T on transcript NM_004700.4 (MANE Select); coding-DNA position 785, A replaced by T.
Protein change: p.Asp262Val; replaces aspartic acid 262 with valine.
Molecular consequence: missense variant.
Genome position (GRCh38, 1-based): chr1:40,819,423, A>T. VCF-style: chr1-40819423-A-T. GRCh37 (hg19) VCF-style: chr1-41285095-A-T.
Other names: c.785A>T, p.Asp262Val (NM_172163.3); c.785A>T (NM_004700.3); short protein forms D262V.
Identifiers: ClinVar variation 21427 (VCV000021427.3), dbSNP rs80358275, ClinGen allele CA342057.
Genomic context (GRCh38, chr1:40,819,423, plus strand): 5'-GGTACATCGGGTTCCTGGTGCTCATCTTCGCCTCCTTCCTGGTCTACCTGGCTGAGAAGG[A>T]CGCCAACTCCGACTTCTCCTCCTACGCCGACTCGCTCTGGTGGGGGACGGTGCGTGAGGG-3'
Protein context (NP_004691.2, residues 252-272): ASFLVYLAEK[Asp262Val]ANSDFSSYAD

ClinVar aggregate classification (germline): Uncertain significance. Review status: criteria provided, single submitter (1 of 4 stars). 2 submissions from 2 submitters: Uncertain significance (1). 1 of the submissions does not count toward it. Last evaluated 2024-09-22.

Conditions:
Autosomal dominant nonsyndromic hearing loss 2A. Also called: DFNA2 Nonsyndromic Hearing Loss; Deafness, autosomal dominant 2A; Autosomal dominant nonsyndromic deafness 2A. Identifiers: Orphanet 90635, MedGen C2677637, MONDO:0010817, OMIM 600101.

Submissions (2):

Victorian Clinical Genetics Services, Murdoch Childrens Research Institute
Classification: Uncertain significance for Autosomal dominant nonsyndromic hearing loss 2A. Last evaluated: 2024-09-22. Review status: criteria provided, single submitter. Criteria: ACMG Guidelines, 2015. Collection method: clinical testing. Allele origin: germline. Inheritance: Autosomal dominant inheritance. Affected: yes.
Comment: Based on the classification scheme VCGS_Germline_v1.3.4, this variant is classified as VUS-3A. Following criteria are met: 0104 - Dominant negative is a known mechanism of disease in this gene and is associated with autosomal dominant deafness 2A (MIM#600101). The exact mechanism exerted by premature termination codons remains unknown. Dominant negative is unlikely, as these mutant proteins lack the C-terminal necessary for heteromultimer formation (PMID: 34622280). (I) 0107 - This gene is associated with autosomal dominant disease. (I) 0200 - Variant is predicted to result in a missense amino acid change from aspartic acid to valine. (I) 0251 - This variant is heterozygous. (I) 0301 - Variant is absent from gnomAD (both v2 and v3). (SP) 0502 - Missense variant with conflicting in silico predictions and moderate conservation. (I) 0602 - Variant is located in a hotspot region or cluster of pathogenic variants. This variant is located in a region where missense variants cluster within the C-terminal end of the ion transport domain (DECIPHER). (SP) 0710 - Another missense variant comparable to the one identified in this case has inconclusive previous evidence for pathogenicity. An alternative change, p.(Asp262Gly), has been previously classified as a VUS (ClinVar). (I) 0809 - Previous evidence of pathogenicity for this variant is inconclusive. This variant has been reported in an individual with autosomal dominant nonsyndromic hearing loss but has been reported both without classification and as a VUS (PMIDs: 18941426, 32382995). (I) 0905 - No published segregation evidence has been identified for this variant. (I) 1002 - This variant has moderate functional evidence supporting abnormal protein function. CHO cells co-transfected with WT and p.(Asp262Val) had no measurable outward current compared to WT cells, indicating that the variant induced channel deficiency (PMID: 31995783). (SP) 1208 - Inheritance information for this variant is not currently available in this individual. (I) Legend: (SP) - Supporting pathogenic, (I) - Information, (SB) - Supporting benign

ClinVar Staff, National Center for Biotechnology Information (NCBI)
Classification: Pathogenic for Autosomal dominant nonsyndromic hearing loss 2A. Last evaluated: 2015-08-20. Review status: no assertion criteria provided. Collection method: literature only. Allele origin: germline. Affected: yes. Not counted in ClinVar's aggregate classification.
Comment: This variant used to be reported in GeneReviews NBK1209.

Literature cited by the submitters: PubMed 18941426 (cited by Victorian Clinical Genetics Services, Murdoch Childrens Research Institute); PubMed 31995783 (cited by Victorian Clinical Genetics Services, Murdoch Childrens Research Institute); PubMed 32382995 (cited by Victorian Clinical Genetics Services, Murdoch Childrens Research Institute); PubMed 34622280 (cited by Victorian Clinical Genetics Services, Murdoch Childrens Research Institute); PubMed 26036578 (cited by ClinVar Staff, National Center for Biotechnology Information (NCBI)); PubMed 20301388 (cited by ClinVar Staff, National Center for Biotechnology Information (NCBI)).